The following is an entry in ClinVar:

NM_016203.4(PRKAG2):c.272C>T (p.Ala91Val)

Gene: PRKAG2 (protein kinase AMP-activated non-catalytic subunit gamma 2; minus strand). Cytogenetic location: 7q36.1.
Variant type: single nucleotide variant.
Coding change: c.272C>T on transcript NM_016203.4 (MANE Select); coding-DNA position 272, C replaced by T.
Protein change: p.Ala91Val; replaces alanine 91 with valine.
Molecular consequence: missense variant. On other transcripts: intron variant (1).
Genome position (GRCh38, 1-based): chr7:151,781,346, G>A on the plus strand (C>T on the coding strand, the complement: PRKAG2 is on the minus strand). VCF-style: chr7-151781346-G-A. GRCh37 (hg19) VCF-style: chr7-151478432-G-A.
Other names: c.140C>T, p.Ala47Val (NM_001040633.2, NM_001407024.1, NM_001407026.1 and 2 more transcripts); c.272C>T, p.Ala91Val (NM_001407021.1, NM_001407022.1, NM_001407023.1 and 2 more transcripts); c.148+33070C>T (NM_001407032.1); short protein forms A47V, A91V.
Identifiers: ClinVar variation 3894227 (VCV003894227.1).

ClinVar aggregate classification (germline): Uncertain significance (1 of 4 stars; one submission).

Conditions:
Cardiomyopathy (CMYO). Also called: Cardiomyopathies. Identifiers: Orphanet 167848, MedGen C0878544, MONDO:0004994, HP:0001638. Inheritance: Various modes of inheritance.

Submission:

Color Diagnostics, LLC DBA Color Health
Classification: Uncertain significance for Cardiomyopathy. Last evaluated: 2025-01-06. Review status: criteria provided, single submitter. Criteria: ACMG Guidelines, 2015. Collection method: clinical testing. Allele origin: germline.
Comment: This missense variant replaces alanine with valine at codon 91 of the PRKAG2 protein. Computational prediction suggests that this variant may not impact protein structure and function (internally defined REVEL score threshold <= 0.5, PMID: 27666373). To our knowledge, functional studies have not been reported for this variant. This variant has not been reported in individuals affected with PRKAG2-related disorders in the literature. This variant has not been identified in the general population by the Genome Aggregation Database (gnomAD). The available evidence is insufficient to determine the role of this variant in disease conclusively. Therefore, this variant is classified as a Variant of Uncertain Significance.